The following is an entry in ClinVar:

ClinVar aggregate classification (germline): Pathogenic/Likely pathogenic. Review status: criteria provided, multiple submitters, no conflicts (2 of 4 stars). 2 submissions from 2 submitters: Pathogenic (1); Likely pathogenic (1). Last evaluated 2024-02-28.

Conditions:
Neuronal ceroid lipofuscinosis. Also called: Neuronal Ceroid Lipofuscinoses. Identifiers: Orphanet 216, Orphanet 79263, MedGen C0027877, MONDO:0016295. Disease mechanism: loss of function.
Neuronal ceroid lipofuscinosis 3 (CLN3). Identifiers: Orphanet 228346, MedGen C0751383, MONDO:0008767, OMIM 204200.

Submissions (2):

Baylor Genetics
Classification: Likely pathogenic for Neuronal ceroid lipofuscinosis 3. Last evaluated: 2024-02-28. Review status: criteria provided, single submitter. Criteria: ACMG Guidelines, 2015. Collection method: clinical testing. Allele origin: unknown.

Labcorp Genetics (formerly Invitae), Labcorp
Classification: Pathogenic for Neuronal ceroid lipofuscinosis. Last evaluated: 2023-10-18. Review status: criteria provided, single submitter. Criteria: Invitae Variant Classification Sherloc (09022015). Collection method: clinical testing. Allele origin: germline.
Comment: This sequence change creates a premature translational stop signal (p.Glu244Lysfs*11) in the CLN3 gene. It is expected to result in an absent or disrupted protein product. Loss-of-function variants in CLN3 are known to be pathogenic (PMID: 9311735, 28542676). This variant is present in population databases (rs762192561, gnomAD 0.003%). This variant has not been reported in the literature in individuals affected with CLN3-related conditions. For these reasons, this variant has been classified as Pathogenic.

Literature cited by the submitters: PubMed 9311735 (cited by Labcorp Genetics (formerly Invitae), Labcorp); PubMed 28542676 (cited by Labcorp Genetics (formerly Invitae), Labcorp).

NM_001042432.2(CLN3):c.729del (p.Glu244fs)

Gene: CLN3 (CLN3 lysosomal/endosomal transmembrane protein, battenin; minus strand). Cytogenetic location: 16p12.1.
Variant type: Deletion.
Coding change: c.729del on transcript NM_001042432.2 (MANE Select); coding-DNA position 729, one base deleted (A; older notation c.729delA).
Protein change: p.Glu244fs; shifts the reading frame from glutamic acid 244.
Molecular consequence: frameshift variant.
Genome position (GRCh38, 1-based): chr16:28,484,067, T deleted on the plus strand (A on the coding strand, the reverse complement: CLN3 is on the minus strand); the first of 2 consecutive T bases (chr16:28,484,067-28,484,068); deleting either gives the same sequence. VCF-style (leftmost placement, unchanged base first): chr16-28484066-CT-C. GRCh37 (hg19) VCF-style: chr16-28495387-CT-C.
Other names: c.729del, p.Glu244fs (NM_000086.2); c.657del, p.Glu220fs (NM_001286104.2); c.429del, p.Glu144fs (NM_001286105.2); c.495del, p.Glu166fs (NM_001286109.2); c.567del, p.Glu190fs (NM_001286110.2); short protein forms E244fs, E190fs, E144fs, E166fs, E220fs.
Identifiers: ClinVar variation 2769845 (VCV002769845.4), dbSNP rs762192561, ClinGen allele CA7980841.
Genomic context (GRCh38, chr16:28,484,066, plus strand): 5'-CTGGCTTCGACTCCGGGGCCTCGGTTCTTATGAGGGGCTGCCGGGCTGCGCTCTCTGCTT[CT>C]TCTTCCCCTCCAGGGTCCTGGGCCTCAGGAGATGTGAGCAACAAGAAATAGCTAGGAGTA-3'